The following is an entry in ClinVar:

NM_004595.5(SMS):c.328C>G (p.Arg110Gly)

Gene: SMS (spermine synthase; plus strand). Cytogenetic location: Xp22.11.
Variant type: single nucleotide variant.
Coding change: c.328C>G on transcript NM_004595.5 (MANE Select); coding-DNA position 328, C replaced by G.
Protein change: p.Arg110Gly; replaces arginine 110 with glycine.
Molecular consequence: missense variant. On other transcripts: intron variant (1).
Genome position (GRCh38, 1-based): chrX:21,972,570, C>G. VCF-style: chrX-21972570-C-G. GRCh37 (hg19) VCF-style: chrX-21990688-C-G.
Other names: c.171-4491C>G (NM_001258423.2); short protein forms R110G.
Identifiers: ClinVar variation 973506 (VCV000973506.2), dbSNP rs1924243873, ClinGen allele CA412566206.
Genomic context (GRCh38, chrX:21,972,570, plus strand): 5'-TTGAACAAAGTAGAGGAAAGAATGAAAGAATTGAGTCAGGACAGTACTGGGCGGGTGAAA[C>G]GGTAAGTCCACTCTTGAATGTCCTTTTATATTTAATCGATTGAAACAATCATAGTTGGCT-3'
Protein context (NP_004586.2, residues 100-120): LSQDSTGRVK[Arg110Gly]LPPIVRGGAI

ClinVar aggregate classification (germline): Likely pathogenic (0 of 4 stars; one submission).

Conditions:
Intellectual developmental disorder, X-linked, syndromic, Snyder-Robinson type. Also called: Spermine synthase deficiency; X-linked mental retardation Snyder - Robinson type; SNYDER-ROBINSON MENTAL RETARDATION SYNDROME; Syndromic X-linked intellectual disability Snyder type. Identifiers: Orphanet 3063, MedGen C0796160, MONDO:0010664, OMIM 309583.

Submission:

Genomics For Life
Classification: Likely pathogenic for Intellectual developmental disorder, X-linked, syndromic, Snyder-Robinson type. Last evaluated: 2020-04-08. Review status: no assertion criteria provided. Collection method: clinical testing. Allele origin: germline. Affected: yes. Observed: 1 variant allele.
Comment: The SMS c.328C>G; p.(Arg110Gly) variant is not reported in Clinvar, ExAC, LOVD or 1000 Genomes. In silico analysis of the SMS c.328C>G; p.(Arg110Gly) variant predicts it to be Deleterious in SIFT, Damaging in PolyPhen-2 and Disease Causing in Mutation Taster (Schwarz, Cooper et al. 2014) with loss of a donor splice site. Analysis using HSF 3.1 predicts potential alteration of splicing. Protein expression studies were performed and showed the patient expresses 2% of normal SMS levels as measured by western blot compared to the average of two normal male controls. In an expression study of five different pathogenic SMS variants, the P112L alteration was detected at about 20% of the control; F58L was detected at about 7% of the control, G67E was detected at about 5% of the control, M35R at 1.5% and G56S at 2.6% of the control. All mutations greatly affect spermine synthase protein stability and dimerization. The disease-causing effect results in changes in the structural integrity of permine synthase and thus, the protein is either unfolded, and therefore subjected to degradation, or present in very small amounts with an impaired ability to form a dimer. The functional result of either of these events is expected to result in a dysfunctional protein resulting in Snyder-Robinson Syndrome (Peng, Norris et al. 2016). Based on the ACMG Guidelines (Richards, Aziz et al. 2015), the SMS c.328C>G; p.(Arg110Gly) variant is classified as a likely pathogenic variant.